The following is an entry in ClinVar:

NM_000492.4(CFTR):c.1348A>G (p.Arg450Gly)

Genes: CFTR (CF transmembrane conductance regulator; plus strand), CFTR-AS1 (CFTR antisense RNA 1; minus strand). Cytogenetic location: 7q31.2.
Variant type: single nucleotide variant.
Coding change: c.1348A>G on transcript NM_000492.4 (MANE Select); coding-DNA position 1348, A replaced by G.
Protein change: p.Arg450Gly; replaces arginine 450 with glycine.
Molecular consequence: missense variant.
Genome position (GRCh38, 1-based): chr7:117,548,779, A>G. VCF-style: chr7-117548779-A-G. GRCh37 (hg19) VCF-style: chr7-117188833-A-G.
Other names: short protein forms R450G.
Identifiers: ClinVar variation 1770521 (VCV001770521.4), dbSNP rs1013802365, ClinGen allele CA164960364.

ClinVar aggregate classification (germline): Uncertain significance. Review status: criteria provided, multiple submitters, no conflicts (2 of 4 stars). 2 submissions from 2 submitters: Uncertain significance (2). Last evaluated 2024-03-26.

Conditions:
Cystic fibrosis (CF). Also called: MUCOVISCIDOSIS. Identifiers: Orphanet 586, MedGen C0010674, MONDO:0009061, OMIM 219700. Disease mechanism: loss of function.

Allele frequency attached by ClinVar (database versions not stated): TOPMed 0.00001.

Submissions (2):

Women's Health and Genetics/Laboratory Corporation of America, LabCorp
Classification: Uncertain significance. Last evaluated: 2024-03-26. Review status: criteria provided, single submitter. Criteria: LabCorp Variant Classification Summary - May 2015. Collection method: clinical testing. Allele origin: germline.
Comment: Variant summary: CFTR c.1348A>G (p.Arg450Gly) results in a non-conservative amino acid change located in the ABC transporter-like, ATP-binding domain (IPR003439) of the encoded protein sequence. Four of five in-silico tools predict a damaging effect of the variant on protein function. The variant was absent in 243800 control chromosomes. The available data on variant occurrences in the general population are insufficient to allow any conclusion about variant significance. To our knowledge, no occurrence of c.1348A>G in individuals affected with Cystic Fibrosis and no experimental evidence demonstrating its impact on protein function have been reported. ClinVar contains an entry for this variant (Variation ID: 1770521). Based on the evidence outlined above, the variant was classified as uncertain significance.

Ambry Genetics
Classification: Uncertain significance for Cystic fibrosis. Last evaluated: 2024-02-07. Review status: criteria provided, single submitter. Criteria: Ambry Variant Classification Scheme 2023. Collection method: clinical testing. Allele origin: germline.
Comment: The p.R450G variant (also known as c.1348A>G), located in coding exon 10 of the CFTR gene, results from an A to G substitution at nucleotide position 1348. The arginine at codon 450 is replaced by glycine, an amino acid with dissimilar properties. This amino acid position is poorly conserved in available vertebrate species. In addition, the in silico prediction for this alteration is inconclusive. Since supporting evidence is limited at this time, the clinical significance of this alteration remains unclear.